The following is an entry in ClinVar:

ClinVar aggregate classification (germline): Pathogenic (1 of 4 stars; one submission).

Conditions:
Hereditary cancer-predisposing syndrome. Also called: Hereditary neoplastic syndrome; Neoplastic Syndromes, Hereditary; Tumor predisposition; Hereditary Cancer Syndrome. Identifiers: Orphanet 140162, MedGen C0027672, MeSH D009386, MONDO:0015356.

Submission:

Ambry Genetics
Classification: Pathogenic for Hereditary cancer-predisposing syndrome. Last evaluated: 2025-08-21. Review status: criteria provided, single submitter. Criteria: Ambry Variant Classification Scheme 2023. Collection method: clinical testing. Allele origin: germline.
Comment: The c.935delG pathogenic mutation, located in coding exon 4 of the PALB2 gene, results from a deletion of one nucleotide at nucleotide position 935, causing a translational frameshift with a predicted alternate stop codon (p.S312Mfs*10). This variant is considered to be rare based on population cohorts in the Genome Aggregation Database (gnomAD). This alteration is expected to result in loss of function by premature protein truncation or nonsense-mediated mRNA decay. As such, this alteration is interpreted as a disease-causing mutation.

NM_024675.4(PALB2):c.935del (p.Ser312fs)

Gene: PALB2 (partner and localizer of BRCA2; minus strand). Cytogenetic location: 16p12.2.
Variant type: Deletion.
Coding change: c.935del on transcript NM_024675.4 (MANE Select); coding-DNA position 935, one base deleted (G; older notation c.935delG).
Protein change: p.Ser312fs; shifts the reading frame from serine 312.
Molecular consequence: frameshift variant. On other transcripts: intron variant (3).
Genome position (GRCh38, 1-based): chr16:23,635,611, C deleted on the plus strand (G on the coding strand, the reverse complement: PALB2 is on the minus strand). VCF-style (leftmost placement, unchanged base first): chr16-23635610-AC-A. GRCh37 (hg19) VCF-style: chr16-23646931-AC-A.
Other names: c.50del, p.Ser17fs (NM_001407307.1, NM_001407308.1, NM_001407309.1 and 5 more transcripts); c.48+5499del (NM_001407314.1); c.-104-5142del (NM_001407313.1, NM_001407312.1); c.875del, p.Ser292fs (NM_001407296.1); c.935del, p.Ser312fs (NM_001407297.1, NM_001407298.1, NM_001407299.1 and 3 more transcripts); short protein forms S17fs, S292fs, S312fs.
Identifiers: ClinVar variation 4130347 (VCV004130347.1).